The following is an entry in ClinVar:

NM_138927.4(SON):c.5288G>C (p.Arg1763Pro)

Gene: SON (SON DNA and RNA binding protein; plus strand). Cytogenetic location: 21q22.11.
Variant type: single nucleotide variant.
Coding change: c.5288G>C on transcript NM_138927.4 (MANE Select); coding-DNA position 5288, G replaced by C.
Protein change: p.Arg1763Pro; replaces arginine 1763 with proline.
Molecular consequence: missense variant. On other transcripts: non-coding transcript variant (1), intron variant (1).
Genome position (GRCh38, 1-based): chr21:33,554,519, G>C. VCF-style: chr21-33554519-G-C. GRCh37 (hg19) VCF-style: chr21-34926825-G-C.
Other names: c.5288G>C, p.Arg1763Pro (NM_001291411.2, NM_001412133.1, NM_032195.3 and 2 more transcripts); c.245-2637G>C (NM_001291412.3); short protein forms R1763P.
Identifiers: ClinVar variation 2867074 (VCV002867074.2), dbSNP rs749946587, ClinGen allele CA410164455.

ClinVar aggregate classification (germline): Uncertain significance (1 of 4 stars; one submission).

Submission:

Labcorp Genetics (formerly Invitae), Labcorp
Classification: Uncertain significance. Last evaluated: 2023-08-16. Review status: criteria provided, single submitter. Criteria: Invitae Variant Classification Sherloc (09022015). Collection method: clinical testing. Allele origin: germline.
Comment: This variant has not been reported in the literature in individuals affected with SON-related conditions. This variant is not present in population databases (gnomAD no frequency). This sequence change replaces arginine, which is basic and polar, with proline, which is neutral and non-polar, at codon 1763 of the SON protein (p.Arg1763Pro). An algorithm developed to predict the effect of missense changes on protein structure and function (PolyPhen-2) suggests that this variant is likely to be disruptive. In summary, the available evidence is currently insufficient to determine the role of this variant in disease. Therefore, it has been classified as a Variant of Uncertain Significance.